The following is an entry in ClinVar:

ClinVar aggregate classification (germline): Uncertain significance (1 of 4 stars; one submission).

Submission:

GeneDx
Classification: Uncertain significance. Last evaluated: 2025-04-18. Review status: criteria provided, single submitter. Criteria: GeneDx Variant Classification Process June 2021. Collection method: clinical testing. Allele origin: germline. Affected: yes.
Comment: Not observed at significant frequency in large population cohorts (gnomAD); In silico analysis supports that this missense variant has a deleterious effect on protein structure/function; Has not been previously published as pathogenic or benign to our knowledge

NM_001375524.1(TRRAP):c.11040G>C (p.Trp3680Cys)

Gene: TRRAP (transformation/transcription domain associated protein; plus strand). Cytogenetic location: 7q22.1.
Variant type: single nucleotide variant.
Coding change: c.11040G>C on transcript NM_001375524.1 (MANE Select); coding-DNA position 11040, G replaced by C.
Protein change: p.Trp3680Cys; replaces tryptophan 3680 with cysteine.
Molecular consequence: missense variant.
Genome position (GRCh38, 1-based): chr7:99,011,153, G>C. VCF-style: chr7-99011153-G-C. GRCh37 (hg19) VCF-style: chr7-98608776-G-C.
Other names: c.10998G>C, p.Trp3666Cys (NM_001244580.2); c.10911G>C, p.Trp3637Cys (NM_003496.4); short protein forms W3637C, W3666C, W3680C.
Identifiers: ClinVar variation 4282132 (VCV004282132.1).
Genomic context (GRCh38, chr7:99,011,153, plus strand): 5'-GCCGCGCAGCATGCTCAAGGAGTGGGCGCTGCACACCTTCCCCAATGCCACGGACTACTG[G>C]ACGTTCCGGAAGATGTTCACCATCCAGCTGGCTCTGATAGGCTTCGCGGAATTCGTCCTG-3'
Protein context (NP_001362453.1, residues 3670-3690): LHTFPNATDY[Trp3680Cys]TFRKMFTIQL